The following is an entry in ClinVar:

ClinVar aggregate classification (germline): Uncertain significance (1 of 4 stars; one submission).

Submission:

Labcorp Genetics (formerly Invitae), Labcorp
Classification: Uncertain significance. Last evaluated: 2022-12-22. Review status: criteria provided, single submitter. Criteria: Invitae Variant Classification Sherloc (09022015). Collection method: clinical testing. Allele origin: germline.
Comment: In summary, the available evidence is currently insufficient to determine the role of this variant in disease. Therefore, it has been classified as a Variant of Uncertain Significance. Advanced modeling of protein sequence and biophysical properties (such as structural, functional, and spatial information, amino acid conservation, physicochemical variation, residue mobility, and thermodynamic stability) performed at Invitae indicates that this missense variant is not expected to disrupt LZTR1 protein function. This variant has not been reported in the literature in individuals affected with LZTR1-related conditions. This variant is not present in population databases (gnomAD no frequency). This sequence change replaces phenylalanine, which is neutral and non-polar, with tyrosine, which is neutral and polar, at codon 83 of the LZTR1 protein (p.Phe83Tyr).

NM_006767.4(LZTR1):c.248T>A (p.Phe83Tyr)

Gene: LZTR1 (leucine zipper like post translational regulator 1; plus strand). Cytogenetic location: 22q11.21.
Variant type: single nucleotide variant.
Coding change: c.248T>A on transcript NM_006767.4 (MANE Select); coding-DNA position 248, T replaced by A.
Protein change: p.Phe83Tyr; replaces phenylalanine 83 with tyrosine.
Molecular consequence: missense variant.
Genome position (GRCh38, 1-based): chr22:20,983,074, T>A. VCF-style: chr22-20983074-T-A. GRCh37 (hg19) VCF-style: chr22-21337363-T-A.
Other names: short protein forms F83Y.
Identifiers: ClinVar variation 2823211 (VCV002823211.3), dbSNP rs1924257727, ClinGen allele CA410778398.
Genomic context (GRCh38, chr22:20,983,074, plus strand): 5'-CCTTTCTTTCCAGGCGCAGCAAGCACACAGTGGTGGCCTATAAAGATGCCATTTATGTAT[T>A]TGGTGGAGACAATGGGTGAGTGAGTCTCAGCATCAGTGTTTGGACCAGGTAGGGAGAAGT-3'
Protein context (NP_006758.2, residues 73-93): VVAYKDAIYV[Phe83Tyr]GGDNGKTMLN